The following is an entry in ClinVar:

ClinVar aggregate classification (germline): Uncertain significance (1 of 4 stars; one submission).

Conditions:
Joubert syndrome 21 (JBTS21). Identifiers: MedGen C3810212, MONDO:0014288, OMIM 615636.

Allele frequency attached by ClinVar (database versions not stated): gnomAD exomes below 0.00001.
gnomAD v4.1: 1 of 1,614,116 alleles (0.000062%); highest among the groups gnomAD compares: South Asian, 0.0011%; no homozygotes.

Submission:

Labcorp Genetics (formerly Invitae), Labcorp
Classification: Uncertain significance for Joubert syndrome 21. Last evaluated: 2022-03-12. Review status: criteria provided, single submitter. Criteria: Invitae Variant Classification Sherloc (09022015). Collection method: clinical testing. Allele origin: germline.
Comment: In summary, the available evidence is currently insufficient to determine the role of this variant in disease. Therefore, it has been classified as a Variant of Uncertain Significance. Algorithms developed to predict the effect of missense changes on protein structure and function output the following: SIFT: "Tolerated"; PolyPhen-2: "Benign"; Align-GVGD: "Class C0". The asparagine amino acid residue is found in multiple mammalian species, which suggests that this missense change does not adversely affect protein function. This variant has not been reported in the literature in individuals affected with CSPP1-related conditions. This variant is present in population databases (no rsID available, gnomAD 0.003%). This sequence change replaces serine, which is neutral and polar, with asparagine, which is neutral and polar, at codon 481 of the CSPP1 protein (p.Ser481Asn).

NM_001382391.1(CSPP1):c.1457G>A (p.Ser486Asn)

Gene: CSPP1 (centrosome and spindle pole associated protein 1; plus strand). Cytogenetic location: 8q13.2.
Variant type: single nucleotide variant.
Coding change: c.1457G>A on transcript NM_001382391.1 (MANE Select); coding-DNA position 1457, G replaced by A.
Protein change: p.Ser486Asn; replaces serine 486 with asparagine.
Molecular consequence: missense variant.
Genome position (GRCh38, 1-based): chr8:67,116,083, G>A. VCF-style: chr8-67116083-G-A. GRCh37 (hg19) VCF-style: chr8-68028318-G-A.
Other names: c.560G>A, p.Ser187Asn (NM_001291339.2); c.1376G>A, p.Ser459Asn (NM_001363131.2); c.1415G>A, p.Ser472Asn (NM_001363132.2); c.1334G>A, p.Ser445Asn (NM_001363133.2); c.1523G>A, p.Ser508Asn (NM_001364869.1); c.1343G>A, p.Ser448Asn (NM_001364870.1); c.1442G>A, p.Ser481Asn (NM_024790.7); short protein forms S508N, S187N, S448N, S472N, S481N, S445N, S459N, S486N.
Identifiers: ClinVar variation 2109635 (VCV002109635.3), dbSNP rs1467143677, ClinGen allele CA371199204.
Genomic context (GRCh38, chr8:67,116,083, plus strand): 5'-CATCTGTCCCACCCATCCCATCAGTTCATCCTGTTCCTTCTCAAAATGAAGATTTGCGCA[G>A]TGGACTCAGCAGCGCCCTTGGTGAAATGGTGTCTCCCAGGTGCTTGTTTAAATGTTTTGT-3'
Protein context (NP_001369320.1, residues 476-496): PVPSQNEDLR[Ser486Asn]GLSSALGEMV